The following is an entry in ClinVar:

NM_020184.4(CNNM4):c.458G>A (p.Arg153Gln)

Gene: CNNM4 (cyclin and CBS domain divalent metal cation transport mediator 4; plus strand). Cytogenetic location: 2q11.2.
Variant type: single nucleotide variant.
Coding change: c.458G>A on transcript NM_020184.4 (MANE Select); coding-DNA position 458, G replaced by A.
Protein change: p.Arg153Gln; replaces arginine 153 with glutamine.
Molecular consequence: missense variant.
Genome position (GRCh38, 1-based): chr2:96,761,457, G>A. VCF-style: chr2-96761457-G-A. GRCh37 (hg19) VCF-style: chr2-97427194-G-A.
Other names: c.458G>A (NM_020184.3); short protein forms R153Q.
Identifiers: ClinVar variation 1000958 (VCV001000958.7), dbSNP rs768290533, ClinGen allele CA347713882.
Genomic context (GRCh38, chr2:96,761,457, plus strand): 5'-TGGTGCTCACCAAGTTCCTCCGGAGGAGCGAGAGCATGAAGCTGTATGCACTGTGCACCC[G>A]GGCCCAGCCCGACGGGCCCTGGCTGAAGTGGACGGACAAGGACTCACTGCTCTTCATGGT-3'
Protein context (NP_064569.3, residues 143-163): ESMKLYALCT[Arg153Gln]AQPDGPWLKW

ClinVar aggregate classification (germline): Uncertain significance. Review status: criteria provided, multiple submitters, no conflicts (2 of 4 stars). 2 submissions from 2 submitters: Uncertain significance (2). Last evaluated 2024-10-24.

Conditions:
Inborn genetic diseases. Identifiers: MedGen C0950123, MeSH D030342.

Allele frequency attached by ClinVar (database versions not stated): gnomAD 0.00001; TOPMed 0.00001.
gnomAD v4.1: 3 of 1,613,998 alleles (0.00019%); highest among the groups gnomAD compares: Middle Eastern, 0.016%; no homozygotes.

Submissions (2):

Ambry Genetics
Classification: Uncertain significance for Inborn genetic diseases. Last evaluated: 2024-10-24. Review status: criteria provided, single submitter. Criteria: Ambry Variant Classification Scheme 2023. Collection method: clinical testing. Allele origin: germline.

Labcorp Genetics (formerly Invitae), Labcorp
Classification: Uncertain significance. Last evaluated: 2021-09-01. Review status: criteria provided, single submitter. Criteria: Invitae Variant Classification Sherloc (09022015). Collection method: clinical testing. Allele origin: germline.
Comment: This sequence change replaces arginine with glutamine at codon 153 of the CNNM4 protein (p.Arg153Gln). The arginine residue is weakly conserved and there is a small physicochemical difference between arginine and glutamine. This variant is not present in population databases (ExAC no frequency). This variant has not been reported in the literature in individuals affected with CNNM4-related conditions. Algorithms developed to predict the effect of missense changes on protein structure and function (SIFT, PolyPhen-2, Align-GVGD) all suggest that this variant is likely to be tolerated. Algorithms developed to predict the effect of sequence changes on RNA splicing suggest that this variant may create or strengthen a splice site. In summary, the available evidence is currently insufficient to determine the role of this variant in disease. Therefore, it has been classified as a Variant of Uncertain Significance.